The following is an entry in ClinVar:

ClinVar aggregate classification (germline): Benign/Likely benign. Review status: criteria provided, multiple submitters, no conflicts (2 of 4 stars). 5 submissions from 5 submitters: Benign (1); Likely benign (4). Last evaluated 2026-06-03.

Conditions:
Hereditary cancer-predisposing syndrome. Also called: Neoplastic Syndromes, Hereditary; Tumor predisposition; Hereditary neoplastic syndrome; Hereditary Cancer Syndrome. Identifiers: Orphanet 140162, MedGen C0027672, MeSH D009386, MONDO:0015356.
Familial cancer of breast. Also called: Hereditary breast cancer; hereditary breast carcinoma; BREAST CANCER, FAMILIAL. Identifiers: Orphanet 227535, MedGen C0346153, MONDO:0016419, OMIM 114480. Disease mechanism: loss of function.
Ataxia-telangiectasia syndrome (AT). Also called: Ataxia-telangiectasia, complementation group D; Ataxia-telangiectasia, complementation group E; Cerebello-oculocutaneous telangiectasia; Immunodeficiency with ataxia telangiectasia; LOUIS-BAR SYNDROME; Ataxia telangiectasia (A-T). Identifiers: Orphanet 100, MedGen C0004135, MONDO:0008840, OMIM 208900.

Allele frequency attached by ClinVar (database versions not stated): gnomAD exomes 0.00001 and 0.00002; TOPMed 0.00001.
gnomAD v4.1: 3 of 1,614,048 alleles (0.00019%); highest among the groups gnomAD compares: Admixed American, 0.005%; no homozygotes.

Submissions (5):

Women's Health and Genetics/Laboratory Corporation of America, LabCorp
Classification: Likely benign. Last evaluated: 2026-06-03. Review status: criteria provided, single submitter. Criteria: LabCorp Variant Classification Summary - May 2015. Collection method: clinical testing. Allele origin: germline.

Labcorp Genetics (formerly Invitae), Labcorp
Classification: Likely benign for Ataxia-telangiectasia syndrome. Last evaluated: 2025-09-21. Review status: criteria provided, single submitter. Criteria: Invitae Variant Classification Sherloc (09022015). Collection method: clinical testing. Allele origin: germline.

Myriad Genetics, Inc.
Classification: Benign for Familial cancer of breast. Last evaluated: 2024-04-30. Review status: criteria provided, single submitter. Criteria: Myriad Autosomal Dominant, Autosomal Recessive and X-Linked Classification Criteria (2023). Collection method: clinical testing. Allele origin: unknown.
Comment: This variant is considered benign. This variant is a silent/synonymous amino acid change and it is not expected to impact splicing.

GeneDx
Classification: Likely benign. Last evaluated: 2017-11-28. Review status: criteria provided, single submitter. Criteria: GeneDx Variant Classification (06012015). Collection method: clinical testing. Allele origin: germline. Affected: yes.
Comment: This variant is considered likely benign or benign based on one or more of the following criteria: it is a conservative change, it occurs at a poorly conserved position in the protein, it is predicted to be benign by multiple in silico algorithms, and/or has population frequency not consistent with disease.

Ambry Genetics
Classification: Likely benign for Hereditary cancer-predisposing syndrome. Last evaluated: 2014-06-03. Review status: criteria provided, single submitter. Criteria: Ambry Variant Classification Scheme 2023. Collection method: clinical testing. Allele origin: germline.

NM_000051.4(ATM):c.1596C>T (p.Cys532=)

Gene: ATM (ATM serine/threonine kinase; plus strand). Cytogenetic location: 11q22.3.
Variant type: single nucleotide variant.
Coding change: c.1596C>T on transcript NM_000051.4 (MANE Select); coding-DNA position 1596, C replaced by T.
Protein change: p.Cys532=; no amino-acid change (cysteine 532 retained).
Molecular consequence: synonymous variant.
Genome position (GRCh38, 1-based): chr11:108,251,061, C>T. VCF-style: chr11-108251061-C-T. GRCh37 (hg19) VCF-style: chr11-108121788-C-T.
Other names: c.1596C>T, p.Cys532= (NM_001351834.2).
Identifiers: ClinVar variation 185335 (VCV000185335.18), dbSNP rs564050785, ClinGen allele CA191669.
Genomic context (GRCh38, chr11:108,251,061, plus strand): 5'-TCAGGGTAGTTTAGTTGAGGTTGACAGAGAATTCTGGAAGTTATTTACTGGGTCAGCCTG[C>T]AGACCTTCATGGTAAGTTCAGCATGCATTATGTCTGACTTACAGATAAACACACACAGAC-3'
Protein context (NP_000042.3, residues 522-542): EFWKLFTGSA[Cys532=]RPSCPAVCCL